The following is an entry in ClinVar:

NM_015021.3(ZNF292):c.5348C>T (p.Thr1783Ile)

Gene: ZNF292 (zinc finger protein 292; plus strand). Cytogenetic location: 6q14.3.
Variant type: single nucleotide variant.
Coding change: c.5348C>T on transcript NM_015021.3 (MANE Select); coding-DNA position 5348, C replaced by T.
Protein change: p.Thr1783Ile; replaces threonine 1783 with isoleucine.
Molecular consequence: missense variant.
Genome position (GRCh38, 1-based): chr6:87,258,977, C>T. VCF-style: chr6-87258977-C-T. GRCh37 (hg19) VCF-style: chr6-87968695-C-T.
Other names: c.4928C>T, p.Thr1643Ile (NM_001351444.2); short protein forms T1643I, T1783I.
Identifiers: ClinVar variation 4821849 (VCV004821849.4).

ClinVar aggregate classification (germline): Uncertain significance (1 of 4 stars; one submission).

gnomAD v4.1: 1 of 1,613,376 alleles (0.000062%); highest among the groups gnomAD compares: Non-Finnish European, 0.000085%; no homozygotes.

Submission:

CeGaT Center for Human Genetics Tuebingen
Classification: Uncertain significance. Last evaluated: 2026-01-01. Review status: criteria provided, single submitter. Criteria: CeGaT Center For Human Genetics Tuebingen Variant Classification Criteria Version 2. Collection method: clinical testing. Allele origin: germline. Affected: yes. Observed: 1 variant allele.
Comment: ZNF292: PM2, BP4